The following is an entry in ClinVar:

ClinVar aggregate classification (germline): Uncertain significance (1 of 4 stars; one submission).

Conditions:
Infantile-onset ascending hereditary spastic paralysis (IAHSP). Also called: Infantile-Onset Ascending Hereditary Spastic Paralysis (IAHSP); Autosomal Recessive Juvenile Amyotrophic Lateral Sclerosis. Identifiers: Orphanet 293168, MedGen C2931441, MONDO:0011797, OMIM 607225. Disease mechanism: loss of function.

Submission:

Labcorp Genetics (formerly Invitae), Labcorp
Classification: Uncertain significance for Infantile-onset ascending hereditary spastic paralysis. Last evaluated: 2019-08-01. Review status: criteria provided, single submitter. Criteria: Invitae Variant Classification Sherloc (09022015). Collection method: clinical testing. Allele origin: germline.
Comment: In summary, the available evidence is currently insufficient to determine the role of this variant in disease. Therefore, it has been classified as a Variant of Uncertain Significance. Algorithms developed to predict the effect of missense changes on protein structure and function (SIFT, PolyPhen-2, Align-GVGD) all suggest that this variant is likely to be tolerated, but these predictions have not been confirmed by published functional studies and their clinical significance is uncertain. This variant has not been reported in the literature in individuals with ALS2-related conditions. This variant is not present in population databases (ExAC no frequency). This sequence change replaces glutamic acid with glycine at codon 629 of the ALS2 protein (p.Glu629Gly). The glutamic acid residue is moderately conserved and there is a moderate physicochemical difference between glutamic acid and glycine.

NM_020919.4(ALS2):c.1886A>G (p.Glu629Gly)

Gene: ALS2 (alsin Rho guanine nucleotide exchange factor ALS2; minus strand). Cytogenetic location: 2q33.1.
Variant type: single nucleotide variant.
Coding change: c.1886A>G on transcript NM_020919.4 (MANE Select); coding-DNA position 1886, A replaced by G.
Protein change: p.Glu629Gly; replaces glutamic acid 629 with glycine.
Molecular consequence: missense variant.
Genome position (GRCh38, 1-based): chr2:201,746,678, T>C on the plus strand (A>G on the coding strand, the complement: ALS2 is on the minus strand). VCF-style: chr2-201746678-T-C. GRCh37 (hg19) VCF-style: chr2-202611401-T-C.
Other names: short protein forms E629G.
Identifiers: ClinVar variation 937545 (VCV000937545.9), dbSNP rs1692682988, ClinGen allele CA350325525.